The following is an entry in ClinVar:

NM_021076.4(NEFH):c.25G>C (p.Ala9Pro)

Gene: NEFH (neurofilament heavy chain; plus strand). Cytogenetic location: 22q12.2.
Variant type: single nucleotide variant.
Coding change: c.25G>C on transcript NM_021076.4 (MANE Select); coding-DNA position 25, G replaced by C.
Protein change: p.Ala9Pro; replaces alanine 9 with proline.
Molecular consequence: missense variant.
Genome position (GRCh38, 1-based): chr22:29,480,287, G>C. VCF-style: chr22-29480287-G-C. GRCh37 (hg19) VCF-style: chr22-29876276-G-C.
Other names: short protein forms A9P.
Identifiers: ClinVar variation 1033975 (VCV001033975.1), dbSNP rs2062994833, ClinGen allele CA411120914.
Genomic context (GRCh38, chr22:29,480,287, plus strand): 5'-CCCGCCCCGTCCCGGCCTCGCGCACCTGCTCAGGCCATGATGAGCTTCGGCGGCGCGGAC[G>C]CGCTGCTGGGCGCCCCGTTCGCGCCGCTGCATGGCGGCGGCAGCCTCCACTACGCGCTAG-3'
Protein context (NP_066554.2, residues 1-19): MMSFGGAD[Ala9Pro]LLGAPFAPLH

ClinVar aggregate classification (germline): Uncertain significance (1 of 4 stars; one submission).

Conditions:
Charcot-Marie-Tooth disease axonal type 2CC. Also called: CHARCOT-MARIE-TOOTH NEUROPATHY, TYPE 2CC. Identifiers: MedGen C4310790, MONDO:0014836, OMIM 616924.

gnomAD v4.1: 2 of 1,505,236 alleles (0.00013%); highest among the groups gnomAD compares: Non-Finnish European, 0.00018%; no homozygotes.

Submission:

Baylor Genetics
Classification: Uncertain significance for Charcot-Marie-Tooth disease axonal type 2CC. Last evaluated: 2018-03-27. Review status: criteria provided, single submitter. Criteria: ACMG Guidelines, 2015. Collection method: clinical testing. Allele origin: paternal. Affected: yes.
Comment: This variant was determined to be of uncertain significance according to ACMG Guidelines, 2015 [PMID:25741868].